The following is an entry in ClinVar:

ClinVar aggregate classification (germline): Benign/Likely benign. Review status: criteria provided, multiple submitters, no conflicts (2 of 4 stars). 3 submissions from 3 submitters: Benign (1); Likely benign (2). Last evaluated 2024-10-24.

Conditions:
Birt-Hogg-Dube syndrome. Also called: Birt Hogg Dubé syndrome. Identifiers: Orphanet 122, MedGen C0346010, MONDO:0800444.
Birt-Hogg-Dube syndrome 1 (BHD1). Also called: FIBROFOLLICULOMAS WITH TRICHODISCOMAS AND ACROCHORDONS. Identifiers: Orphanet 122, MedGen CN375946, MONDO:0800445, OMIM 135150.
Hereditary cancer-predisposing syndrome. Also called: Neoplastic Syndromes, Hereditary; Hereditary neoplastic syndrome; Tumor predisposition; Hereditary Cancer Syndrome. Identifiers: Orphanet 140162, MedGen C0027672, MeSH D009386, MONDO:0015356.

Allele frequency attached by ClinVar (database versions not stated): TOPMed 0.00002; gnomAD 0.00002.
gnomAD v4.1: 5 of 1,613,810 alleles (0.00031%); highest among the groups gnomAD compares: African/African-American, 0.0053%; no homozygotes.

Submissions (3):

Myriad Genetics, Inc.
Classification: Benign for Birt-Hogg-Dube syndrome 1. Last evaluated: 2024-10-24. Review status: criteria provided, single submitter. Criteria: Myriad Autosomal Dominant, Autosomal Recessive and X-Linked Classification Criteria (2023). Collection method: clinical testing. Allele origin: unknown.
Comment: This variant is considered benign. This variant is a silent/synonymous amino acid change and it is not expected to impact splicing.

Labcorp Genetics (formerly Invitae), Labcorp
Classification: Likely benign for Birt-Hogg-Dube syndrome. Last evaluated: 2023-07-08. Review status: criteria provided, single submitter. Criteria: Invitae Variant Classification Sherloc (09022015). Collection method: clinical testing. Allele origin: germline.

Ambry Genetics
Classification: Likely benign for Hereditary cancer-predisposing syndrome. Last evaluated: 2015-12-04. Review status: criteria provided, single submitter. Criteria: Ambry Variant Classification Scheme 2023. Collection method: clinical testing. Allele origin: germline.

NM_144997.7(FLCN):c.1311C>A (p.Val437=)

Gene: FLCN (folliculin; minus strand). Cytogenetic location: 17p11.2.
Variant type: single nucleotide variant.
Coding change: c.1311C>A on transcript NM_144997.7 (MANE Select); coding-DNA position 1311, C replaced by A.
Protein change: p.Val437=; no amino-acid change (valine 437 retained).
Molecular consequence: synonymous variant.
Genome position (GRCh38, 1-based): chr17:17,215,306, G>T on the plus strand (C>A on the coding strand, the complement: FLCN is on the minus strand). VCF-style: chr17-17215306-G-T. GRCh37 (hg19) VCF-style: chr17-17118620-G-T.
Other names: c.1365C>A, p.Val455= (NM_001353229.2); c.1311C>A, p.Val437= (NM_001353230.2, NM_001353231.2).
Identifiers: ClinVar variation 772219 (VCV000772219.11), dbSNP rs1002586963, ClinGen allele CA498421391.